The following is an entry in ClinVar:

NM_001958.5(EEF1A2):c.427C>G (p.Leu143Val)

Genes: EEF1A2 (eukaryotic translation elongation factor 1 alpha 2; minus strand), LOC132090595 (Neanderthal introgressed variant-containing enhancer experimental_60987; plus strand). Cytogenetic location: 20q13.33.
Variant type: single nucleotide variant.
Coding change: c.427C>G on transcript NM_001958.5 (MANE Select); coding-DNA position 427, C replaced by G.
Protein change: p.Leu143Val; replaces leucine 143 with valine.
Molecular consequence: missense variant.
Genome position (GRCh38, 1-based): chr20:63,494,999, G>C on the plus strand (C>G on the coding strand, the complement: EEF1A2 is on the minus strand). VCF-style: chr20-63494999-G-C. GRCh37 (hg19) VCF-style: chr20-62126352-G-C.
Other names: short protein forms L143V.
Identifiers: ClinVar variation 4527120 (VCV004527120.1).

ClinVar aggregate classification (germline): Uncertain significance (1 of 4 stars; one submission).

Submission:

GeneDx
Classification: Uncertain significance. Last evaluated: 2025-05-04. Review status: criteria provided, single submitter. Criteria: GeneDx Variant Classification Process June 2021. Collection method: clinical testing. Allele origin: germline. Affected: yes.
Comment: Not observed at significant frequency in large population cohorts (gnomAD); In silico analysis supports that this missense variant has a deleterious effect on protein structure/function; Has not been previously published as pathogenic or benign to our knowledge